The following is an entry in ClinVar:

NM_015559.3(SETBP1):c.451A>G (p.Thr151Ala)

Gene: SETBP1 (SET binding protein 1; plus strand). Cytogenetic location: 18q12.3.
Variant type: single nucleotide variant.
Coding change: c.451A>G on transcript NM_015559.3 (MANE Select); coding-DNA position 451, A replaced by G.
Protein change: p.Thr151Ala; replaces threonine 151 with alanine.
Molecular consequence: missense variant.
Genome position (GRCh38, 1-based): chr18:44,701,797, A>G. VCF-style: chr18-44701797-A-G. GRCh37 (hg19) VCF-style: chr18-42281762-A-G.
Other names: c.451A>G, p.Thr151Ala (NM_001130110.2, NM_001379141.1, NM_001379142.1 and 1 more transcripts); short protein forms T151A.
Identifiers: ClinVar variation 2115168 (VCV002115168.4), dbSNP rs2069119940, ClinGen allele CA402482211.

ClinVar aggregate classification (germline): Uncertain significance (1 of 4 stars; one submission).

Allele frequency attached by ClinVar (database versions not stated): gnomAD exomes below 0.00001.
gnomAD v4.1: 1 of 1,613,838 alleles (0.000062%); highest among the groups gnomAD compares: East Asian, 0.0022%; no homozygotes.

Submission:

Labcorp Genetics (formerly Invitae), Labcorp
Classification: Uncertain significance. Last evaluated: 2023-08-30. Review status: criteria provided, single submitter. Criteria: Invitae Variant Classification Sherloc (09022015). Collection method: clinical testing. Allele origin: germline.
Comment: In summary, the available evidence is currently insufficient to determine the role of this variant in disease. Therefore, it has been classified as a Variant of Uncertain Significance. Algorithms developed to predict the effect of missense changes on protein structure and function output the following: SIFT: "Not Available"; PolyPhen-2: "Benign"; Align-GVGD: "Not Available". The alanine amino acid residue is found in multiple mammalian species, which suggests that this missense change does not adversely affect protein function. ClinVar contains an entry for this variant (Variation ID: 2115168). This variant has not been reported in the literature in individuals affected with SETBP1-related conditions. This variant is not present in population databases (gnomAD no frequency). This sequence change replaces threonine, which is neutral and polar, with alanine, which is neutral and non-polar, at codon 151 of the SETBP1 protein (p.Thr151Ala).